The following is an entry in ClinVar:

ClinVar aggregate classification (germline): Uncertain significance (1 of 4 stars; one submission).

Submission:

GeneDx
Classification: Uncertain significance. Last evaluated: 2026-03-06. Review status: criteria provided, single submitter. Criteria: GeneDx Variant Classification Process June 2021. Collection method: clinical testing. Allele origin: germline.
Comment: Not observed at significant frequency in large population cohorts (gnomAD); In silico analysis supports that this missense variant has a deleterious effect on protein structure/function; Has not been previously published as pathogenic or benign to our knowledge

NM_001080421.3(UNC13A):c.1834T>G (p.Ser612Ala)

Gene: UNC13A (unc-13 homolog A; minus strand). Cytogenetic location: 19p13.11.
Variant type: single nucleotide variant.
Coding change: c.1834T>G on transcript NM_001080421.3 (MANE Select); coding-DNA position 1834, T replaced by G.
Protein change: p.Ser612Ala; replaces serine 612 with alanine.
Molecular consequence: missense variant.
Genome position (GRCh38, 1-based): chr19:17,647,475, A>C on the plus strand (T>G on the coding strand, the complement: UNC13A is on the minus strand). VCF-style: chr19-17647475-A-C. GRCh37 (hg19) VCF-style: chr19-17758284-A-C.
Other names: c.1828T>G, p.Ser610Ala (NM_001387021.1, NM_001387022.1, NM_001387023.1); short protein forms S610A, S612A.
Identifiers: ClinVar variation 5008596 (VCV005008596.1).